The following is an entry in ClinVar:

ClinVar aggregate classification (germline): Likely benign. Review status: criteria provided, multiple submitters, no conflicts (2 of 4 stars). 2 submissions from 2 submitters: Likely benign (2). Last evaluated 2025-01-13.

Conditions:
Primary dilated cardiomyopathy (DCM). Also called: Dilated Cardiomyopathy. Identifiers: Orphanet 217604, MedGen C0007193, MeSH D002311, MONDO:0005021, HP:0001644. Inheritance: Various modes of inheritance.
Charcot-Marie-Tooth disease type 2. Also called: Charcot-Marie-Tooth type 2. Identifiers: Orphanet 64746, MedGen C0270914, MONDO:0018993.

Allele frequency attached by ClinVar (database versions not stated): TOPMed below 0.00001; gnomAD 0.00001.

Submissions (2):

Labcorp Genetics (formerly Invitae), Labcorp
Classification: Likely benign for Charcot-Marie-Tooth disease type 2. Last evaluated: 2025-01-13. Review status: criteria provided, single submitter. Criteria: Invitae Variant Classification Sherloc (09022015). Collection method: clinical testing. Allele origin: germline.

All of Us Research Program, National Institutes of Health
Classification: Likely benign for Primary dilated cardiomyopathy. Last evaluated: 2024-03-14. Review status: criteria provided, single submitter. Criteria: ACMG Guidelines, 2015. Collection method: clinical testing. Allele origin: germline. Inheritance: Autosomal dominant inheritance. Observed: 1 variant allele, 1 heterozygote.
Comment: This study involves interpretation of variants in research participants for the purpose of population health screening. Participant phenotype was not available at the time of variant classification. Additional details can be found in publication PMID: 35346344, PMCID: PMC8962531

NM_170707.4(LMNA):c.1609-12T>C

Gene: LMNA (lamin A/C; plus strand). Cytogenetic location: 1q22.
Variant type: single nucleotide variant.
Coding change: c.1609-12T>C on transcript NM_170707.4 (MANE Select); 12 bases into the intron before coding-DNA position 1609, T replaced by C.
Molecular consequence: intron variant.
Genome position (GRCh38, 1-based): chr1:156,137,642, T>C. VCF-style: chr1-156137642-T-C. GRCh37 (hg19) VCF-style: chr1-156107433-T-C.
Other names: c.1609-12T>C (NM_001282625.2, NM_001282626.2, NM_005572.4); c.1608+410T>C (NM_170708.4); c.1273-12T>C (NM_001257374.3); c.1366-12T>C (NM_001282624.2).
Identifiers: ClinVar variation 1658443 (VCV001658443.9), dbSNP rs267607582, ClinGen allele CA526468558.